The following is an entry in ClinVar:

NM_000321.3(RB1):c.2441A>C (p.Lys814Thr)

Gene: RB1 (RB transcriptional corepressor 1; plus strand). Cytogenetic location: 13q14.2.
Variant type: single nucleotide variant.
Coding change: c.2441A>C on transcript NM_000321.3 (MANE Select); coding-DNA position 2441, A replaced by C.
Protein change: p.Lys814Thr; replaces lysine 814 with threonine.
Molecular consequence: missense variant.
Genome position (GRCh38, 1-based): chr13:48,465,320, A>C. VCF-style: chr13-48465320-A-C. GRCh37 (hg19) VCF-style: chr13-49039456-A-C.
Other names: short protein forms K814T.
Identifiers: ClinVar variation 821284 (VCV000821284.15), dbSNP rs1566237785, ClinGen allele CA388167990.

ClinVar aggregate classification (germline): Uncertain significance. Review status: criteria provided, multiple submitters, no conflicts (2 of 4 stars). 3 submissions from 3 submitters: Uncertain significance (3). Last evaluated 2025-08-13.

Conditions:
Hereditary cancer-predisposing syndrome. Also called: Neoplastic Syndromes, Hereditary; Tumor predisposition; Hereditary Cancer Syndrome; Hereditary neoplastic syndrome. Identifiers: Orphanet 140162, MedGen C0027672, MeSH D009386, MONDO:0015356.
Retinoblastoma (RB1). Also called: RETINOBLASTOMA, SOMATIC. Identifiers: Orphanet 790, MedGen C0035335, MeSH D012175, MONDO:0008380, OMIM 180200, HP:0009919. Disease mechanism: loss of function. Inheritance: Both sporadic and heritable forms are tested..

gnomAD v4.1: 1 of 1,611,462 alleles (0.000062%); highest among the groups gnomAD compares: African/African-American, 0.0013%; no homozygotes.

Submissions (3):

Labcorp Genetics (formerly Invitae), Labcorp
Classification: Uncertain significance for Retinoblastoma. Last evaluated: 2025-08-13. Review status: criteria provided, single submitter. Criteria: Invitae Variant Classification Sherloc (09022015). Collection method: clinical testing. Allele origin: germline.
Comment: This sequence change replaces lysine, which is basic and polar, with threonine, which is neutral and polar, at codon 814 of the RB1 protein (p.Lys814Thr). This variant is not present in population databases (gnomAD no frequency). This variant has not been reported in the literature in individuals affected with RB1-related conditions. ClinVar contains an entry for this variant (Variation ID: 821284). Invitae Evidence Modeling of protein sequence and biophysical properties (such as structural, functional, and spatial information, amino acid conservation, physicochemical variation, residue mobility, and thermodynamic stability) has been performed for this missense variant. However, the output from this modeling did not meet the statistical confidence thresholds required to predict the impact of this variant on RB1 protein function. In summary, the available evidence is currently insufficient to determine the role of this variant in disease. Therefore, it has been classified as a Variant of Uncertain Significance.

Ambry Genetics
Classification: Uncertain significance for Hereditary cancer-predisposing syndrome. Last evaluated: 2024-11-16. Review status: criteria provided, single submitter. Criteria: Ambry Variant Classification Scheme 2023. Collection method: clinical testing. Allele origin: germline.
Comment: The p.K814T variant (also known as c.2441A>C), located in coding exon 23 of the RB1 gene, results from an A to C substitution at nucleotide position 2441. The lysine at codon 814 is replaced by threonine, an amino acid with similar properties. This amino acid position is highly conserved in available vertebrate species. In addition, the in silico prediction for this alteration is inconclusive. Since supporting evidence is limited at this time, the clinical significance of this alteration remains unclear.

All of Us Research Program, National Institutes of Health
Classification: Uncertain significance for Retinoblastoma. Last evaluated: 2023-06-26. Review status: criteria provided, single submitter. Criteria: ACMG Guidelines, 2015. Collection method: clinical testing. Allele origin: germline. Inheritance: Autosomal dominant inheritance. Observed: 1 variant allele, 1 heterozygote.
Comment: This missense variant replaces lysine with threonine at codon 814 of the RB1 protein. Computational prediction is inconclusive regarding the impact of this variant on protein structure and function (internally defined REVEL score threshold 0.5 < inconclusive < 0.7, PMID: 27666373). To our knowledge, functional studies have not been reported for this variant. This variant has not been reported in individuals affected with RB1-related disorders in the literature. This variant has not been identified in the general population by the Genome Aggregation Database (gnomAD). The available evidence is insufficient to determine the role of this variant in disease conclusively. Therefore, this variant is classified as a Variant of Uncertain Significance.

This study involves interpretation of variants in research participants for the purpose of population health screening. Participant phenotype was not available at the time of variant classification. Additional details can be found in publication PMID: 35346344, PMCID: PMC8962531